The following is an entry in ClinVar:

NM_000642.3(AGL):c.1553C>G (p.Thr518Ser)

Gene: AGL (amylo-alpha-1,6-glucosidase and 4-alpha-glucanotransferase; plus strand). Cytogenetic location: 1p21.2.
Variant type: single nucleotide variant.
Coding change: c.1553C>G on transcript NM_000642.3 (MANE Select); coding-DNA position 1553, C replaced by G.
Protein change: p.Thr518Ser; replaces threonine 518 with serine.
Molecular consequence: missense variant.
Genome position (GRCh38, 1-based): chr1:99,877,770, C>G. VCF-style: chr1-99877770-C-G. GRCh37 (hg19) VCF-style: chr1-100343326-C-G.
Other names: c.1553C>G, p.Thr518Ser (NM_000028.3, NM_000643.3, NM_000644.3 and 2 more transcripts); c.1505C>G, p.Thr502Ser (NM_000646.3); c.1352C>G, p.Thr451Ser (NM_001425327.1); c.1349C>G, p.Thr450Ser (NM_001425328.1, NM_001425329.1); c.1175C>G, p.Thr392Ser (NM_001425332.1); short protein forms T518S, T502S, T392S, T450S, T451S.
Identifiers: ClinVar variation 456455 (VCV000456455.6), dbSNP rs1293030648, ClinGen allele CA341314767.
Genomic context (GRCh38, chr1:99,877,770, plus strand): 5'-AACCAGAGGACTGTCCTTATCTCTGGGCACACATGAAAAAATACACTGAAATAACTGCAA[C>G]TTATTTCCAGGGAGTACGTCTTGATAACTGCCACTCAACACCTCTTCACGTAGCTGAGGT-3'
Protein context (NP_000633.2, residues 508-528): HMKKYTEITA[Thr518Ser]YFQGVRLDNC

ClinVar aggregate classification (germline): Uncertain significance. Review status: criteria provided, single submitter (1 of 4 stars). 2 submissions from 2 submitters: Uncertain significance (1). 1 of the submissions does not count toward it. Last evaluated 2021-09-01.

Conditions:
Glycogen storage disease type III (GSD3). Also called: FORBES DISEASE; Cori disease. Identifiers: Orphanet 366, MedGen C0017922, MONDO:0009291, OMIM 232400.

Allele frequency attached by ClinVar (database versions not stated): gnomAD exomes 0.00001; TOPMed 0.00001; gnomAD 0.00001.
gnomAD v4.1: 4 of 1,613,944 alleles (0.00025%); highest among the groups gnomAD compares: Admixed American, 0.005%; no homozygotes.

Submissions (2):

Labcorp Genetics (formerly Invitae), Labcorp
Classification: Uncertain significance for Glycogen storage disease type III. Last evaluated: 2021-09-01. Review status: criteria provided, single submitter. Criteria: Invitae Variant Classification Sherloc (09022015). Collection method: clinical testing. Allele origin: germline.
Comment: This sequence change replaces threonine with serine at codon 518 of the AGL protein (p.Thr518Ser). The threonine residue is weakly conserved and there is a small physicochemical difference between threonine and serine. This variant is not present in population databases (ExAC no frequency). This variant has not been reported in the literature in individuals affected with AGL-related conditions. Algorithms developed to predict the effect of missense changes on protein structure and function (SIFT, PolyPhen-2, Align-GVGD) all suggest that this variant is likely to be tolerated. In summary, the available evidence is currently insufficient to determine the role of this variant in disease. Therefore, it has been classified as a Variant of Uncertain Significance.

Natera, Inc.
Classification: Uncertain significance for Glycogen storage disease type III. Last evaluated: 2020-02-21. Review status: no assertion criteria provided. Collection method: clinical testing. Allele origin: germline. Not counted in ClinVar's aggregate classification.